The following is an entry in ClinVar:

ClinVar aggregate classification (germline): Pathogenic/Likely pathogenic. Review status: criteria provided, multiple submitters, no conflicts (2 of 4 stars). 2 submissions from 2 submitters: Pathogenic (1); Likely pathogenic (1). Last evaluated 2022-06-16.

Submissions (2):

GeneDx
Classification: Pathogenic. Last evaluated: 2022-06-16. Review status: criteria provided, single submitter. Criteria: GeneDx Variant Classification Process June 2021. Collection method: clinical testing. Allele origin: germline. Affected: yes.
Comment: Nonsense variant predicted to result in protein truncation or nonsense mediated decay in a gene for which loss of function is a known mechanism of disease; Not observed at significant frequency in large population cohorts (gnomAD); Has not been previously published as pathogenic or benign to our knowledge

Genetics Laboratory, UDIAT-Centre Diagnòstic, Hospital Universitari Parc Tauli
Classification: Likely pathogenic. Last evaluated: 2021-04-26. Review status: criteria provided, single submitter. Criteria: Parc Tauli Hospital Assertion Criteria 2021. Collection method: clinical testing. Allele origin: unknown. Inheritance: Autosomal dominant inheritance. Affected: yes. Observed: 1 heterozygote.
Comment: PVS1_very strong;PM2_supporting

NM_005862.3(STAG1):c.1117C>T (p.Arg373Ter)

Gene: STAG1 (STAG1 cohesin complex component; minus strand). Cytogenetic location: 3q22.3.
Variant type: single nucleotide variant.
Coding change: c.1117C>T on transcript NM_005862.3 (MANE Select); coding-DNA position 1117, C replaced by T.
Protein change: p.Arg373Ter; replaces arginine 373 with a stop codon.
Molecular consequence: nonsense.
Genome position (GRCh38, 1-based): chr3:136,473,547, G>A on the plus strand (C>T on the coding strand, the complement: STAG1 is on the minus strand). VCF-style: chr3-136473547-G-A. GRCh37 (hg19) VCF-style: chr3-136192389-G-A.
Other names: short protein forms R373*.
Identifiers: ClinVar variation 1098387 (VCV001098387.3), dbSNP rs2107814279, ClinGen allele CA354651724.